The following is an entry in ClinVar:

ClinVar aggregate classification (germline): Likely pathogenic (1 of 4 stars; one submission).

Conditions:
Stüve-Wiedemann syndrome 1. Also called: STUVE-WIEDEMANN/SCHWARTZ-JAMPEL TYPE 2 SYNDROME. Identifiers: Orphanet 3206, MedGen C5676888, MONDO:0800043, OMIM 601559.

Submission:

Hacettepe Pediatric Genetics Laboratory, Hacettepe University
Classification: Likely pathogenic for Stüve-Wiedemann syndrome 1. Last evaluated: 2026-02-10. Review status: criteria provided, single submitter. Criteria: ACMG Guidelines, 2015. Collection method: clinical testing. Allele origin: germline. Inheritance: Autosomal recessive inheritance. Affected: yes. Observed: 1 variant allele, 1 homozygote.
Comment: According to the ACMG variant interpretation guidelines, the LIFR:c.823G>T (p.Glu275*) variant meets the PVS1 and PM2 criteria and is therefore classified as likely pathogenic. This variant is absent from the gnomAD population database. The nucleotide substitution introduces a premature stop codon, resulting in a nonsense variant that is predicted to cause truncation of the LIFR protein or trigger nonsense-mediated mRNA decay (NMD), leading to loss of normal protein function.

NM_001127671.2(LIFR):c.823G>T (p.Glu275Ter)

Gene: LIFR (LIF receptor subunit alpha; minus strand). Cytogenetic location: 5p13.1.
Variant type: single nucleotide variant.
Coding change: c.823G>T on transcript NM_001127671.2 (MANE Select); coding-DNA position 823, G replaced by T.
Protein change: p.Glu275Ter; replaces glutamic acid 275 with a stop codon.
Molecular consequence: nonsense.
Genome position (GRCh38, 1-based): chr5:38,510,632, C>A on the plus strand (G>T on the coding strand, the complement: LIFR is on the minus strand). VCF-style: chr5-38510632-C-A. GRCh37 (hg19) VCF-style: chr5-38510734-C-A.
Other names: p.Glu275Ter; c.823G>T, p.Glu275Ter (NM_001364297.2, NM_001364298.2, NM_002310.6); short protein forms E275*.
Identifiers: ClinVar variation 4814026 (VCV004814026.1).